The following is an entry in ClinVar:

ClinVar aggregate classification (germline): Uncertain significance (1 of 4 stars; one submission).

Allele frequency attached by ClinVar (database versions not stated): gnomAD 0.00001; TOPMed 0.00001.
gnomAD v4.1: 1 of 1,613,278 alleles (0.000062%); highest among the groups gnomAD compares: Non-Finnish European, 0.000085%; no homozygotes.

Submission:

Labcorp Genetics (formerly Invitae), Labcorp
Classification: Uncertain significance. Last evaluated: 2025-03-03. Review status: criteria provided, single submitter. Criteria: Invitae Variant Classification Sherloc (09022015). Collection method: clinical testing. Allele origin: germline.
Comment: This sequence change replaces cysteine, which is neutral and slightly polar, with glycine, which is neutral and non-polar, at codon 489 of the ALPK1 protein (p.Cys489Gly). This variant is present in population databases (no rsID available, gnomAD 0.0009%). This variant has not been reported in the literature in individuals affected with ALPK1-related conditions. ClinVar contains an entry for this variant (Variation ID: 1929772). Invitae Evidence Modeling of protein sequence and biophysical properties (such as structural, functional, and spatial information, amino acid conservation, physicochemical variation, residue mobility, and thermodynamic stability) indicates that this missense variant is expected to disrupt ALPK1 protein function with a positive predictive value of 80%. In summary, the available evidence is currently insufficient to determine the role of this variant in disease. Therefore, it has been classified as a Variant of Uncertain Significance.

NM_025144.4(ALPK1):c.1465T>G (p.Cys489Gly)

Gene: ALPK1 (alpha kinase 1; plus strand). Cytogenetic location: 4q25.
Variant type: single nucleotide variant.
Coding change: c.1465T>G on transcript NM_025144.4 (MANE Select); coding-DNA position 1465, T replaced by G.
Protein change: p.Cys489Gly; replaces cysteine 489 with glycine.
Molecular consequence: missense variant.
Genome position (GRCh38, 1-based): chr4:112,431,012, T>G. VCF-style: chr4-112431012-T-G. GRCh37 (hg19) VCF-style: chr4-113352168-T-G.
Other names: c.1465T>G, p.Cys489Gly (NM_001102406.2); c.1231T>G, p.Cys411Gly (NM_001253884.2); short protein forms C411G, C489G.
Identifiers: ClinVar variation 1929772 (VCV001929772.5), dbSNP rs1453214540, ClinGen allele CA357895120.